The following is an entry in ClinVar:

NM_006073.4(TRDN):c.110C>T (p.Thr37Ile)

Gene: TRDN (triadin; minus strand). Cytogenetic location: 6q22.31.
Variant type: single nucleotide variant.
Coding change: c.110C>T on transcript NM_006073.4 (MANE Select); coding-DNA position 110, C replaced by T.
Protein change: p.Thr37Ile; replaces threonine 37 with isoleucine.
Molecular consequence: missense variant.
Genome position (GRCh38, 1-based): chr6:123,571,045, G>A on the plus strand (C>T on the coding strand, the complement: TRDN is on the minus strand). VCF-style: chr6-123571045-G-A. GRCh37 (hg19) VCF-style: chr6-123892190-G-A.
Other names: c.110C>T, p.Thr37Ile (NM_001251987.2, NM_001256020.2, NM_001256021.2 and 1 more transcripts); short protein forms T37I.
Identifiers: ClinVar variation 572082 (VCV000572082.10), dbSNP rs1289581577, ClinGen allele CA365569266.

ClinVar aggregate classification (germline): Uncertain significance. Review status: criteria provided, multiple submitters, no conflicts (2 of 4 stars). 3 submissions from 3 submitters: Uncertain significance (3). Last evaluated 2023-02-17.

Conditions:
Catecholaminergic polymorphic ventricular tachycardia 1. Also called: VENTRICULAR TACHYCARDIA, STRESS-INDUCED POLYMORPHIC 1; RYR2-Related Catecholaminergic Polymorphic Ventricular Tachycardia; VENTRICULAR TACHYCARDIA, CATECHOLAMINERGIC POLYMORPHIC, 1, WITH OR WITHOUT ATRIAL DYSFUNCTION AND/OR DILATED CARDIOMYOPATHY. Identifiers: Orphanet 3286, MedGen C1631597, MONDO:0011484, OMIM 604772.
Cardiovascular phenotype. Identifiers: MedGen CN230736.

Allele frequency attached by ClinVar (database versions not stated): gnomAD exomes 0.00001 and 0.00003; gnomAD 0.00002; TOPMed 0.00002.
gnomAD v4.1: 43 of 1,613,890 alleles (0.0027%); highest among the groups gnomAD compares: Non-Finnish European, 0.0036%; no homozygotes.

Submissions (3):

Blueprint Genetics
Classification: Uncertain significance. Last evaluated: 2023-02-17. Review status: criteria provided, single submitter. Criteria: ACMG Guidelines, 2015. Collection method: clinical testing. Allele origin: germline.

Ambry Genetics
Classification: Uncertain significance for Cardiovascular phenotype. Last evaluated: 2022-09-28. Review status: criteria provided, single submitter. Criteria: Ambry Variant Classification Scheme 2023. Collection method: clinical testing. Allele origin: germline.
Comment: The p.T37I variant (also known as c.110C>T), located in coding exon 2 of the TRDN gene, results from a C to T substitution at nucleotide position 110. The threonine at codon 37 is replaced by isoleucine, an amino acid with similar properties. This amino acid position is conserved. In addition, this alteration is predicted to be tolerated by in silico analysis. Since supporting evidence is limited at this time, the clinical significance of this alteration remains unclear.

Labcorp Genetics (formerly Invitae), Labcorp
Classification: Uncertain significance for Catecholaminergic polymorphic ventricular tachycardia 1. Last evaluated: 2022-03-14. Review status: criteria provided, single submitter. Criteria: Invitae Variant Classification Sherloc (09022015). Collection method: clinical testing. Allele origin: germline.
Comment: This sequence change replaces threonine, which is neutral and polar, with isoleucine, which is neutral and non-polar, at codon 37 of the TRDN protein (p.Thr37Ile). This variant is present in population databases (no rsID available, gnomAD 0.002%). This variant has not been reported in the literature in individuals affected with TRDN-related conditions. ClinVar contains an entry for this variant (Variation ID: 572082). Algorithms developed to predict the effect of missense changes on protein structure and function are either unavailable or do not agree on the potential impact of this missense change (SIFT: "Deleterious"; PolyPhen-2: "Not Available"; Align-GVGD: "Class C0"). In summary, the available evidence is currently insufficient to determine the role of this variant in disease. Therefore, it has been classified as a Variant of Uncertain Significance.